The following is an entry in ClinVar:

NM_002291.3(LAMB1):c.2591G>T (p.Cys864Phe)

Gene: LAMB1 (laminin subunit beta 1; minus strand). Cytogenetic location: 7q31.1.
Variant type: single nucleotide variant.
Coding change: c.2591G>T on transcript NM_002291.3 (MANE Select); coding-DNA position 2591, G replaced by T.
Protein change: p.Cys864Phe; replaces cysteine 864 with phenylalanine.
Molecular consequence: missense variant.
Genome position (GRCh38, 1-based): chr7:107,959,348, C>A on the plus strand (G>T on the coding strand, the complement: LAMB1 is on the minus strand). VCF-style: chr7-107959348-C-A. GRCh37 (hg19) VCF-style: chr7-107599793-C-A.
Other names: short protein forms C864F.
Identifiers: ClinVar variation 1810483 (VCV001810483.6), dbSNP rs756136311, ClinGen allele CA164251548.

ClinVar aggregate classification (germline): Uncertain significance. Review status: criteria provided, multiple submitters, no conflicts (2 of 4 stars). 2 submissions from 2 submitters: Uncertain significance (2). Last evaluated 2024-06-23.

Submissions (2):

Labcorp Genetics (formerly Invitae), Labcorp
Classification: Uncertain significance. Last evaluated: 2024-06-23. Review status: criteria provided, single submitter. Criteria: Invitae Variant Classification Sherloc (09022015). Collection method: clinical testing. Allele origin: germline.
Comment: This sequence change replaces cysteine, which is neutral and slightly polar, with phenylalanine, which is neutral and non-polar, at codon 864 of the LAMB1 protein (p.Cys864Phe). This variant is present in population databases (no rsID available, gnomAD 0.006%). This variant has not been reported in the literature in individuals affected with LAMB1-related conditions. ClinVar contains an entry for this variant (Variation ID: 1810483). An algorithm developed to predict the effect of missense changes on protein structure and function (PolyPhen-2) suggests that this variant is likely to be disruptive. In summary, the available evidence is currently insufficient to determine the role of this variant in disease. Therefore, it has been classified as a Variant of Uncertain Significance.

GeneDx
Classification: Uncertain significance. Last evaluated: 2024-06-12. Review status: criteria provided, single submitter. Criteria: GeneDx Variant Classification Process June 2021. Collection method: clinical testing. Allele origin: germline.
Comment: Not observed at significant frequency in large population cohorts (gnomAD); In silico analysis supports that this missense variant has a deleterious effect on protein structure/function; Has not been previously published as pathogenic or benign to our knowledge; This variant is associated with the following publications: (PMID: 23472759)